The following is an entry in ClinVar:

ClinVar aggregate classification (germline): Uncertain significance. Review status: criteria provided, multiple submitters, no conflicts (2 of 4 stars). 3 submissions from 2 submitters: Uncertain significance (3). Last evaluated 2025-09-02.

Conditions:
Autosomal recessive osteopetrosis 7. Identifiers: Orphanet 178389, MedGen C2676766, MONDO:0012859, OMIM 612301.
Paget disease of bone 2, early-onset (PDB2). Also called: Paget disease of bone 2. Identifiers: MedGen C4085251, MONDO:0011183, OMIM 602080.

Allele frequency attached by ClinVar (database versions not stated): gnomAD 0.00006; ExAC 0.00008; gnomAD exomes 0.00008; TOPMed 0.00009; 1000 Genomes Project 30x 0.00016; 1000 Genomes Project 0.00020.
gnomAD v4.1: 112 of 1,614,086 alleles (0.0069%); highest among the groups gnomAD compares: Admixed American, 0.023%; no homozygotes.

Submissions (3):

Labcorp Genetics (formerly Invitae), Labcorp
Classification: Uncertain significance. Last evaluated: 2025-09-02. Review status: criteria provided, single submitter. Criteria: Invitae Variant Classification Sherloc (09022015). Collection method: clinical testing. Allele origin: germline.
Comment: This sequence change replaces arginine, which is basic and polar, with tryptophan, which is neutral and slightly polar, at codon 45 of the TNFRSF11A protein (p.Arg45Trp). This variant is present in population databases (rs199863919, gnomAD 0.01%), including at least one homozygous and/or hemizygous individual. This variant has not been reported in the literature in individuals affected with TNFRSF11A-related conditions. ClinVar contains an entry for this variant (Variation ID: 891048). Invitae Evidence Modeling of protein sequence and biophysical properties (such as structural, functional, and spatial information, amino acid conservation, physicochemical variation, residue mobility, and thermodynamic stability) has been performed for this missense variant. However, the output from this modeling did not meet the statistical confidence thresholds required to predict the impact of this variant on TNFRSF11A protein function. In summary, the available evidence is currently insufficient to determine the role of this variant in disease. Therefore, it has been classified as a Variant of Uncertain Significance.

Illumina Laboratory Services, Illumina
Classification: Uncertain significance for Autosomal recessive osteopetrosis 7. Last evaluated: 2018-01-13. Review status: criteria provided, single submitter. Criteria: ICSL Variant Classification Criteria 13 December 2019. Collection method: clinical testing. Allele origin: germline.

Illumina Laboratory Services, Illumina
Classification: Uncertain significance for Paget disease of bone 2, early-onset. Last evaluated: 2018-01-13. Review status: criteria provided, single submitter. Criteria: ICSL Variant Classification Criteria 13 December 2019. Collection method: clinical testing. Allele origin: germline.

NM_003839.4(TNFRSF11A):c.133C>T (p.Arg45Trp)

Gene: TNFRSF11A (TNF receptor superfamily member 11a; plus strand). Cytogenetic location: 18q21.33.
Variant type: single nucleotide variant.
Coding change: c.133C>T on transcript NM_003839.4 (MANE Select); coding-DNA position 133, C replaced by T.
Protein change: p.Arg45Trp; replaces arginine 45 with tryptophan.
Molecular consequence: missense variant.
Genome position (GRCh38, 1-based): chr18:62,348,225, C>T. VCF-style: chr18-62348225-C-T. GRCh37 (hg19) VCF-style: chr18-60015458-C-T.
Other names: c.133C>T, p.Arg45Trp (NM_001270949.2, NM_001270950.2, NM_001270951.2 and 1 more transcripts); short protein forms R45W.
Identifiers: ClinVar variation 891048 (VCV000891048.11), dbSNP rs199863919, ClinGen allele CA8983649.
Genomic context (GRCh38, chr18:62,348,225, plus strand): 5'-CAGGTGGCTTTGCAGATCGCTCCTCCATGTACCAGTGAGAAGCATTATGAGCATCTGGGA[C>T]GGTGCTGTAACAAATGTGAACCAGGTACACCTGCTTCTGAGCCACCTTGCATTGCCCCTC-3'
Protein context (NP_003830.1, residues 35-55): TSEKHYEHLG[Arg45Trp]CCNKCEPGKY